The following is an entry in ClinVar:

NM_001042413.2(GLIS3):c.1653C>A (p.Arg551=)

Gene: GLIS3 (GLIS family zinc finger 3; minus strand). Cytogenetic location: 9p24.2.
Variant type: single nucleotide variant.
Coding change: c.1653C>A on transcript NM_001042413.2 (MANE Select); coding-DNA position 1653, C replaced by A.
Protein change: p.Arg551=; no amino-acid change (arginine 551 retained).
Molecular consequence: synonymous variant.
Genome position (GRCh38, 1-based): chr9:4,117,825, G>T on the plus strand (C>A on the coding strand, the complement: GLIS3 is on the minus strand). VCF-style: chr9-4117825-G-T. GRCh37 (hg19) VCF-style: chr9-4117825-G-T.
Other names: c.1188C>A, p.Arg396= (NM_152629.4); c.1653C>A (NM_001042413.1).
Identifiers: ClinVar variation 2191207 (VCV002191207.5), dbSNP rs147451000, ClinGen allele CA4968127.
Genomic context (GRCh38, chr9:4,117,825, plus strand): 5'-CACCGTACACTTGTTGGGCTTCTCCCCAGAGTGGACTCTCATGTGGATCAGCAGTTTATA[G>T]CGGGCGTTGAAGGGCTTGTATCTTCGAGGGCAACCGGCCCAGAAGCAAGTGAAGTCCTCC-3'
Protein context (NP_001035878.1, residues 541-561): CPRRYKPFNA[Arg551=]YKLLIHMRVH

ClinVar aggregate classification (germline): Likely benign. Review status: criteria provided, multiple submitters, no conflicts (2 of 4 stars). 2 submissions from 2 submitters: Likely benign (2). Last evaluated 2025-12-16.

Conditions:
GLIS3-related disorder. Also called: GLIS3-related condition.

Allele frequency attached by ClinVar (database versions not stated): ExAC 0.00007; gnomAD 0.00018; TOPMed 0.00022; ESP Exome Variant Server 0.00023.
gnomAD v4.1: 44 of 1,614,086 alleles (0.0027%); highest among the groups gnomAD compares: African/African-American, 0.057%; no homozygotes.

Submissions (2):

PreventionGenetics, part of Exact Sciences
Classification: Likely benign for GLIS3-related condition. Last evaluated: 2025-12-16. Review status: criteria provided, single submitter. Criteria: ACMG Guidelines, 2015. Collection method: clinical testing. Allele origin: germline.
Comment: This variant is classified as likely benign based on ACMG/AMP sequence variant interpretation guidelines (Richards et al. 2015 PMID: 25741868, with internal and published modifications).

Labcorp Genetics (formerly Invitae), Labcorp
Classification: Likely benign. Last evaluated: 2025-11-28. Review status: criteria provided, single submitter. Criteria: Invitae Variant Classification Sherloc (09022015). Collection method: clinical testing. Allele origin: germline.